The following is an entry in ClinVar:

ClinVar aggregate classification (germline): Pathogenic (1 of 4 stars; one submission).

Submission:

Labcorp Genetics (formerly Invitae), Labcorp
Classification: Pathogenic. Last evaluated: 2021-02-27. Review status: criteria provided, single submitter. Criteria: Invitae Variant Classification Sherloc (09022015). Collection method: clinical testing. Allele origin: germline.
Comment: For these reasons, this variant has been classified as Pathogenic. This variant has not been reported in the literature in individuals with TNFAIP3-related conditions. This sequence change creates a premature translational stop signal (p.Glu366Glyfs*22) in the TNFAIP3 gene. It is expected to result in an absent or disrupted protein product. Loss-of-function variants in TNFAIP3 are known to be pathogenic (PMID: 26642243). This variant is not present in population databases (ExAC no frequency).

Literature cited by the submitters: PubMed 26642243.

NM_001270508.2(TNFAIP3):c.1097_1098del (p.Glu366fs)

Gene: TNFAIP3 (TNF alpha induced protein 3; plus strand). Cytogenetic location: 6q23.3.
Variant type: Microsatellite.
Coding change: c.1097_1098del on transcript NM_001270508.2 (MANE Select); coding-DNA positions 1097 to 1098, 2 bases deleted (AG; older notation c.1097_1098delAG).
Protein change: p.Glu366fs; shifts the reading frame from glutamic acid 366.
Molecular consequence: frameshift variant.
Genome position (GRCh38, 1-based): chr6:137,878,542-137,878,543, AG deleted; deleting any 2 consecutive bases within chr6:137,878,537-137,878,543 gives the same sequence; the c. name uses the placement nearest the transcript's 3' end. VCF-style (leftmost placement, unchanged base first): chr6-137878536-GGA-G. GRCh37 (hg19) VCF-style: chr6-138199673-GGA-G.
Other names: c.1097_1098del, p.Glu366fs (NM_001270507.2, NM_006290.4); short protein forms E366fs.
Identifiers: ClinVar variation 1456622 (VCV001456622.6), dbSNP rs2114497046, ClinGen allele CA645564284.